The following is an entry in ClinVar:

ClinVar aggregate classification (germline): Uncertain significance (1 of 4 stars; one submission).

Conditions:
Myofibrillar myopathy 5. Also called: FILAMINOPATHY, AUTOSOMAL DOMINANT; Filaminopathy (type). Identifiers: Orphanet 171445, MedGen C1836050, MONDO:0012289, OMIM 609524.
Distal myopathy with posterior leg and anterior hand involvement. Also called: WILLIAMS DISTAL MYOPATHY. Identifiers: Orphanet 63273, MedGen C3279722, MONDO:0013550, OMIM 614065.
Hypertrophic cardiomyopathy 26. Also called: Cardiomyopathy, familial hypertrophic, 26. Identifiers: Orphanet 75249, MedGen C4310749, MONDO:0014883, OMIM 617047.

Submission:

Labcorp Genetics (formerly Invitae), Labcorp
Classification: Uncertain significance for Distal myopathy with posterior leg and anterior hand involvement; Myofibrillar myopathy 5; Hypertrophic cardiomyopathy 26. Last evaluated: 2023-12-06. Review status: criteria provided, single submitter. Criteria: Invitae Variant Classification Sherloc (09022015). Collection method: clinical testing. Allele origin: germline.
Comment: This sequence change replaces proline, which is neutral and non-polar, with histidine, which is basic and polar, at codon 275 of the FLNC protein (p.Pro275His). This variant is not present in population databases (gnomAD no frequency). This variant has not been reported in the literature in individuals affected with FLNC-related conditions. ClinVar contains an entry for this variant (Variation ID: 965249). Advanced modeling of protein sequence and biophysical properties (such as structural, functional, and spatial information, amino acid conservation, physicochemical variation, residue mobility, and thermodynamic stability) has been performed at Invitae for this missense variant, however the output from this modeling did not meet the statistical confidence thresholds required to predict the impact of this variant on FLNC protein function. In summary, the available evidence is currently insufficient to determine the role of this variant in disease. Therefore, it has been classified as a Variant of Uncertain Significance.

NM_001458.5(FLNC):c.824C>A (p.Pro275His)

Gene: FLNC (filamin C; plus strand). Cytogenetic location: 7q32.1.
Variant type: single nucleotide variant.
Coding change: c.824C>A on transcript NM_001458.5 (MANE Select); coding-DNA position 824, C replaced by A.
Protein change: p.Pro275His; replaces proline 275 with histidine.
Molecular consequence: missense variant.
Genome position (GRCh38, 1-based): chr7:128,837,522, C>A. VCF-style: chr7-128837522-C-A. GRCh37 (hg19) VCF-style: chr7-128477576-C-A.
Other names: c.824C>A, p.Pro275His (NM_001127487.2); short protein forms P275H.
Identifiers: ClinVar variation 965249 (VCV000965249.10), dbSNP rs1249075788, ClinGen allele CA369222646.
Genomic context (GRCh38, chr7:128,837,522, plus strand): 5'-CCCAGTTCCCCAAGGCCAAGCTCAAACCTGGTGCCCCTGTTCGATCCAAGCAGCTGAACC[C>A]CAAGAAAGCCATCGCCTATGGGCCTGGTATGTGTGAGCCCCTGGCGGCCCTCCTGGGCAG-3'
Protein context (NP_001449.3, residues 265-285): GAPVRSKQLN[Pro275His]KKAIAYGPGI